The following is an entry in ClinVar:

ClinVar aggregate classification (germline): Uncertain significance. Review status: criteria provided, multiple submitters, no conflicts (2 of 4 stars). 3 submissions from 3 submitters: Uncertain significance (3). Last evaluated 2024-06-19.

Conditions:
Lymphoproliferative syndrome 1 (LPFS1). Identifiers: Orphanet 238505, Orphanet 538963, MedGen C3552634, MONDO:0013081, OMIM 613011.

Allele frequency attached by ClinVar (database versions not stated): gnomAD 0.00002; gnomAD exomes 0.00002 and 0.00010; ExAC 0.00003.

Submissions (3):

Mayo Clinic Laboratories, Mayo Clinic
Classification: Uncertain significance. Last evaluated: 2024-06-19. Review status: criteria provided, single submitter. Criteria: ACMG Guidelines, 2015. Collection method: clinical testing. Allele origin: germline. Observed: 1 variant allele.
Comment: BP4

Blueprint Genetics
Classification: Uncertain significance. Last evaluated: 2022-10-04. Review status: criteria provided, single submitter. Criteria: ACMG Guidelines, 2015. Collection method: clinical testing. Allele origin: germline.

Labcorp Genetics (formerly Invitae), Labcorp
Classification: Uncertain significance for Lymphoproliferative syndrome 1. Last evaluated: 2021-09-01. Review status: criteria provided, single submitter. Criteria: Invitae Variant Classification Sherloc (09022015). Collection method: clinical testing. Allele origin: germline.
Comment: This sequence change replaces valine with methionine at codon 357 of the ITK protein (p.Val357Met). The valine residue is moderately conserved and there is a small physicochemical difference between valine and methionine. This variant is present in population databases (rs772167595, ExAC 0.006%). This variant has not been reported in the literature in individuals affected with ITK-related conditions. Advanced modeling of protein sequence and biophysical properties (such as structural, functional, and spatial information, amino acid conservation, physicochemical variation, residue mobility, and thermodynamic stability) performed at Invitae indicates that this missense variant is not expected to disrupt ITK protein function. In summary, the available evidence is currently insufficient to determine the role of this variant in disease. Therefore, it has been classified as a Variant of Uncertain Significance.

NM_005546.4(ITK):c.1069G>A (p.Val357Met)

Gene: ITK (IL2 inducible T cell kinase; plus strand). Cytogenetic location: 5q33.3.
Variant type: single nucleotide variant.
Coding change: c.1069G>A on transcript NM_005546.4 (MANE Select); coding-DNA position 1069, G replaced by A.
Protein change: p.Val357Met; replaces valine 357 with methionine.
Molecular consequence: missense variant.
Genome position (GRCh38, 1-based): chr5:157,243,631, G>A. VCF-style: chr5-157243631-G-A. GRCh37 (hg19) VCF-style: chr5-156670641-G-A.
Other names: p.Val357Met; c.1069G>A (NM_005546.3); short protein forms V357M.
Identifiers: ClinVar variation 1366907 (VCV001366907.7), dbSNP rs772167595, ClinGen allele CA3533000.